The following is an entry in ClinVar:

NM_004360.5(CDH1):c.833-16C>G

Gene: CDH1 (cadherin 1; plus strand). Cytogenetic location: 16q22.1.
Variant type: single nucleotide variant.
Coding change: c.833-16C>G on transcript NM_004360.5 (MANE Select); 16 bases into the intron before coding-DNA position 833, C replaced by G.
Molecular consequence: intron variant.
Genome position (GRCh38, 1-based): chr16:68,811,668, C>G. VCF-style: chr16-68811668-C-G. GRCh37 (hg19) VCF-style: chr16-68845571-C-G.
Other names: c.833-16C>G (LRG_301t1, NM_001317184.2); c.-783-16C>G (NM_001317185.2); c.-987-16C>G (NM_001317186.2).
Identifiers: ClinVar variation 136694 (VCV000136694.32), dbSNP rs33984587, ClinGen allele CA294003.
Genomic context (GRCh38, chr16:68,811,668, plus strand): 5'-AGAATTGGATTAAGCAGTATTGACCCAGTCCCAAAGTGCAGCTTGTCTAAACCTTCATCT[C>G]CTTGAACTCTTCCAGGAACCTCTGTGATGGAGGTCACAGCCACAGACGCGGACGATGATG-3'

ClinVar aggregate classification (germline): Benign. Review status: reviewed by expert panel (3 of 4 stars). 15 submissions from 15 submitters: Benign (1). 14 of the submissions do not count toward it. Last evaluated 2023-08-10.

Conditions:
CDH1-related diffuse gastric and lobular breast cancer syndrome. Also called: CDH1-related diffuse gastric and lobular breast cancer. Identifiers: MedGen CN311521, MONDO:0100488.
Breast and/or ovarian cancer. Identifiers: MedGen CN221562.
Hereditary cancer-predisposing syndrome. Also called: Hereditary Cancer Syndrome; Tumor predisposition; Hereditary neoplastic syndrome; Neoplastic Syndromes, Hereditary. Identifiers: Orphanet 140162, MedGen C0027672, MeSH D009386, MONDO:0015356.
Hereditary diffuse gastric adenocarcinoma (HDGC). Also called: DIFFUSE GASTRIC AND LOBULAR BREAST CANCER SYNDROME. Identifiers: Orphanet 26106, MedGen C1708349, MONDO:0007648, OMIM 137215.
Prostate cancer. Also called: Malignant tumor of prostate. Identifiers: Orphanet 1331, MedGen C0376358, MONDO:0008315, HP:0012125.

Allele frequency attached by ClinVar (database versions not stated): gnomAD exomes 0.00029 and 0.00072; gnomAD 0.00310 and 0.00332; 1000 Genomes Project 0.00319; TOPMed 0.00343; ESP Exome Variant Server 0.00377; ExAC 0.00092; 1000 Genomes Project 30x 0.00390.
gnomAD v4.1: 910 of 1,613,450 alleles (0.056%); highest among the groups gnomAD compares: African/African-American, 1.1%; 5 homozygotes.

Submissions (15):

Clingen Gastric Cancer Variant Curation Expert Panel
Classification: Benign for CDH1-related diffuse gastric and lobular breast cancer syndrome. Last evaluated: 2023-08-10. Review status: reviewed by expert panel. Criteria: ClinGen CDH1 ACMG Specifications V3.1. Collection method: curation. Allele origin: germline. Inheritance: Autosomal dominant inheritance.
Comment: The NM_004360.5(CDH1):c.833-16C>G variant has an allele frequency of 0.01066 (1%, 266/24958 alleles, 2 homozygotes) in the African subpopulation of the gnomAD v2.1.1 cohort (BA1; BP2). Therefore, this variant meets criteria to be classified as benign. ACMG/AMP criteria applied, as specified by the CDH1 Variant Curation Expert Panel (Variant Interpretation Guidelines Version 3.1): BA1, BP2.

Labcorp Genetics (formerly Invitae), Labcorp
Classification: Benign for Hereditary diffuse gastric adenocarcinoma. Last evaluated: 2026-02-03. Review status: criteria provided, single submitter. Criteria: Invitae Variant Classification Sherloc (09022015). Collection method: clinical testing. Allele origin: germline. Not counted in ClinVar's aggregate classification.

Center for Genomic Medicine, Rigshospitalet, Copenhagen University Hospital
Classification: Benign. Last evaluated: 2025-03-04. Review status: criteria provided, single submitter. Criteria: ACMG Guidelines, 2015. Collection method: clinical testing. Allele origin: germline. Not counted in ClinVar's aggregate classification.

Blueprint Genetics
Classification: Likely benign. Last evaluated: 2024-10-08. Review status: criteria provided, single submitter. Criteria: ACMG Guidelines, 2015. Collection method: clinical testing. Allele origin: germline. Not counted in ClinVar's aggregate classification.

Myriad Genetics, Inc.
Classification: Benign for Hereditary diffuse gastric adenocarcinoma. Last evaluated: 2024-09-16. Review status: criteria provided, single submitter. Criteria: Myriad Autosomal Dominant, Autosomal Recessive and X-Linked Classification Criteria (2023). Collection method: clinical testing. Allele origin: unknown. Not counted in ClinVar's aggregate classification.
Comment: This variant is considered benign. This variant is intronic and is not expected to impact mRNA splicing. Homozygosity has been confirmed in one or more individuals. As homozygosity for pathogenic variants in this gene is generally assumed to result in embryonic lethality, this variant is unlikely to be pathogenic. This variant has been observed at a population frequency that is significantly greater than expected given the associated disease prevalence and penetrance.

ARUP Laboratories, Molecular Genetics and Genomics, ARUP Laboratories
Classification: Benign. Last evaluated: 2023-12-01. Review status: criteria provided, single submitter. Criteria: ARUP Molecular Germline Variant Investigation Process 2024. Collection method: clinical testing. Allele origin: germline. Not counted in ClinVar's aggregate classification.

KCCC/NGS Laboratory, Kuwait Cancer Control Center
Classification: Benign for Familial prostate cancer. Last evaluated: 2023-07-07. Review status: criteria provided, single submitter. Criteria: ACMG Guidelines, 2015. Collection method: clinical testing. Allele origin: germline. Affected: yes. Not counted in ClinVar's aggregate classification.

CHEO Genetics Diagnostic Laboratory, Children's Hospital of Eastern Ontario
Classification: Benign for Breast and/or ovarian cancer. Last evaluated: 2021-06-29. Review status: criteria provided, single submitter. Criteria: ACMG Guidelines, 2015. Collection method: clinical testing. Allele origin: germline. Not counted in ClinVar's aggregate classification.

PreventionGenetics, part of Exact Sciences
Classification: Benign. Last evaluated: 2017-12-06. Review status: criteria provided, single submitter. Criteria: ACMG Guidelines, 2015. Collection method: clinical testing. Allele origin: germline. Not counted in ClinVar's aggregate classification.

Color Diagnostics, LLC DBA Color Health
Classification: Benign for Hereditary cancer-predisposing syndrome. Last evaluated: 2015-10-01. Review status: criteria provided, single submitter. Criteria: ACMG Guidelines, 2015. Collection method: clinical testing. Allele origin: germline. Not counted in ClinVar's aggregate classification.

Ambry Genetics
Classification: Benign for Hereditary cancer-predisposing syndrome. Last evaluated: 2014-07-17. Review status: criteria provided, single submitter. Criteria: Ambry General Variant Classification Scheme_2022. Collection method: clinical testing. Allele origin: germline. Observed: 1 variant allele. Not counted in ClinVar's aggregate classification.

GeneDx
Classification: Benign. Last evaluated: 2013-12-18. Review status: criteria provided, single submitter. Criteria: GeneDx Variant Classification (06012015). Collection method: clinical testing. Allele origin: germline. Affected: yes. Not counted in ClinVar's aggregate classification.
Comment: This variant is considered likely benign or benign based on one or more of the following criteria: it is a conservative change, it occurs at a poorly conserved position in the protein, it is predicted to be benign by multiple in silico algorithms, and/or has population frequency not consistent with disease.

Clinical Genetics, Academic Medical Center
Classification: Benign. Review status: no assertion criteria provided. Collection method: clinical testing. Allele origin: germline. Affected: yes. Study: VKGL Data-share Consensus. Not counted in ClinVar's aggregate classification.

Diagnostic Laboratory, Department of Genetics, University Medical Center Groningen
Classification: Likely benign. Review status: no assertion criteria provided. Collection method: clinical testing. Allele origin: germline. Affected: yes. Study: VKGL Data-share Consensus. Not counted in ClinVar's aggregate classification.

Joint Genome Diagnostic Labs from Nijmegen and Maastricht, Radboudumc and MUMC+
Classification: Likely benign. Review status: no assertion criteria provided. Collection method: clinical testing. Allele origin: germline. Affected: yes. Study: VKGL Data-share Consensus. Not counted in ClinVar's aggregate classification.